The following is an entry in ClinVar:

NM_000520.6(HEXA):c.103C>T (p.Gln35Ter)

Gene: HEXA (hexosaminidase subunit alpha; minus strand). Cytogenetic location: 15q23.
Variant type: single nucleotide variant.
Coding change: c.103C>T on transcript NM_000520.6 (MANE Select); coding-DNA position 103, C replaced by T.
Protein change: p.Gln35Ter; replaces glutamine 35 with a stop codon.
Molecular consequence: nonsense. On other transcripts: non-coding transcript variant (1).
Genome position (GRCh38, 1-based): chr15:72,375,870, G>A on the plus strand (C>T on the coding strand, the complement: HEXA is on the minus strand). VCF-style: chr15-72375870-G-A. GRCh37 (hg19) VCF-style: chr15-72668211-G-A.
Other names: c.103C>T, p.Gln35Ter (NM_001318825.2); short protein forms Q35*.
Identifiers: ClinVar variation 987865 (VCV000987865.2), dbSNP rs2089059318, ClinGen allele CA393070544.

ClinVar aggregate classification (germline): Likely pathogenic. Review status: criteria provided, multiple submitters, no conflicts (2 of 4 stars). 2 submissions from 2 submitters: Likely pathogenic (2). Last evaluated 2024-05-06.

Conditions:
Tay-Sachs disease (TSD). Also called: Hexosaminidase A Deficiency; HEXA Disorders; GM2 gangliosidosis, type 1; Hexosaminidase alpha-subunit deficiency (variant B); Sphingolipidosis, Tay-Sachs; HEXA DEFICIENCY. Identifiers: Orphanet 845, MedGen C0039373, MONDO:0010100, OMIM 272800.

Submissions (2):

Natera, Inc.
Classification: Likely pathogenic for Tay-Sachs disease. Last evaluated: 2024-05-06. Review status: criteria provided, single submitter. Criteria: Natera Variant Classification Schema (03/2026). Collection method: clinical testing. Allele origin: germline.
Comment: The c.103C>T variant in HEXA is a nonsense variant predicted to introduce a stop codon at amino acid 35. This variant is expected to result in nonsense mediated decay, truncation, or a dysfunctional protein product. This variant is rare in the general population with a frequency below the threshold expected for the associated phenotype(s). Given the available evidence, this variant is classified as Likely Pathogenic.

Women's Health and Genetics/Laboratory Corporation of America, LabCorp
Classification: Likely pathogenic for Tay-Sachs disease. Last evaluated: 2020-11-04. Review status: criteria provided, single submitter. Criteria: LabCorp Variant Classification Summary - May 2015. Collection method: clinical testing. Allele origin: germline.
Comment: Variant summary: HEXA c.103C>T (p.Gln35X) results in a premature termination codon, predicted to cause a truncation of the encoded protein or absence of the protein due to nonsense mediated decay, which are commonly known mechanisms for disease. Truncations upstream and downstream of this position have been classified as pathogenic by our laboratory. The variant was absent in 251410 control chromosomes (gnomAD). To our knowledge, no occurrence of c.103C>T in individuals affected with Tay-Sachs Disease and no experimental evidence demonstrating its impact on protein function have been reported. No clinical diagnostic laboratories have submitted clinical-significance assessments for this variant to ClinVar after 2014. Based on the evidence outlined above, the variant was classified as likely pathogenic.